The following is an entry in ClinVar:

NM_000475.5(NR0B1):c.552del (p.Glu185fs)

Gene: NR0B1 (nuclear receptor subfamily 0 group B member 1; minus strand). Cytogenetic location: Xp21.2.
Variant type: Deletion.
Coding change: c.552del on transcript NM_000475.5 (MANE Select); coding-DNA position 552, one base deleted (A; older notation c.552delA).
Protein change: p.Glu185fs; shifts the reading frame from glutamic acid 185.
Molecular consequence: frameshift variant.
Genome position (GRCh38, 1-based): chrX:30,308,812, T deleted on the plus strand (A on the coding strand, the reverse complement: NR0B1 is on the minus strand); the first of 3 consecutive T bases (chrX:30,308,812-30,308,814); deleting any one gives the same sequence. VCF-style (leftmost placement, unchanged base first): chrX-30308811-CT-C. GRCh37 (hg19) VCF-style: chrX-30326928-CT-C.
Other names: short protein forms E185fs.
Identifiers: ClinVar variation 460311 (VCV000460311.6), dbSNP rs1555973115, ClinGen allele CA658658941.

ClinVar aggregate classification (germline): Pathogenic (1 of 4 stars; one submission).

Conditions:
46,XY sex reversal 2. Also called: NR0B1-Related 46,XY CGD; NR0B1-related 46,XY complete gonadal dysgenesis; Dosage-sensitive sex reversal; 46,XY SEX REVERSAL, DAX1-RELATED; 46XY sex reversal 2, dosage-sensitive. Identifiers: MedGen C1848296, MONDO:0010226, OMIM 300018.
Congenital adrenal hypoplasia, X-linked (AHC). Also called: Isolated X-Linked Adrenal Hypoplasia Congenita; X-linked AHC; X-Linked Adrenal Hypoplasia Congenita; ADRENAL HYPOPLASIA, CONGENITAL, WITH HYPOGONADOTROPIC HYPOGONADISM. Identifiers: Orphanet 95702, MedGen C0342482, MONDO:0010264, OMIM 300200. Disease mechanism: loss of function.

Submission:

Labcorp Genetics (formerly Invitae), Labcorp
Classification: Pathogenic for Congenital adrenal hypoplasia, X-linked; 46,XY sex reversal 2. Last evaluated: 2017-08-27. Review status: criteria provided, single submitter. Criteria: Invitae Variant Classification Sherloc (09022015). Collection method: clinical testing. Allele origin: germline.
Comment: For these reasons, this variant has been classified as Pathogenic. Loss-of-function variants in NR0B1 are known to be pathogenic (PMID: 7990958, 15841486). This variant has not been reported in the literature in individuals with NR0B1-related disease. This variant is not present in population databases (ExAC no frequency). This sequence change creates a premature translational stop signal (p.Glu185Argfs*79) in the NR0B1 gene. It is expected to result in an absent or disrupted protein product.

Literature cited by the submitters: PubMed 7990958; PubMed 15841486.